The following is an entry in ClinVar:

ClinVar aggregate classification (germline): Pathogenic/Likely pathogenic. Review status: criteria provided, multiple submitters, no conflicts (2 of 4 stars). 2 submissions from 2 submitters: Pathogenic (1); Likely pathogenic (1). Last evaluated 2025-11-22.

Conditions:
ALPK3-related autosomal dominant hypertrophic cardiomyopathy.

Submissions (2):

Labcorp Genetics (formerly Invitae), Labcorp
Classification: Pathogenic. Last evaluated: 2025-11-22. Review status: criteria provided, single submitter. Criteria: Invitae Variant Classification Sherloc (09022015). Collection method: clinical testing. Allele origin: germline.
Comment: This sequence change creates a premature translational stop signal (p.Thr1122Hisfs*14) in the ALPK3 gene. It is expected to result in an absent or disrupted protein product. Loss-of-function variants in ALPK3 are known to be pathogenic (PMID: 21441111, 26846950, 27106955, 34263907). This variant is not present in population databases (gnomAD no frequency). This variant has not been reported in the literature in individuals affected with ALPK3-related conditions. ClinVar contains an entry for this variant (Variation ID: 1458221). For these reasons, this variant has been classified as Pathogenic.

Clinical Genetics Service, Universitary Hospital 12 de Octubre
Classification: Likely pathogenic for ALPK3-related autosomal dominant hypertrophic cardiomyopathy. Review status: criteria provided, single submitter. Criteria: ACMG Guidelines, 2015. Collection method: clinical testing. Allele origin: germline. Affected: yes.

Literature cited by the submitters: PubMed 21441111 (cited by Labcorp Genetics (formerly Invitae), Labcorp); PubMed 26846950 (cited by Labcorp Genetics (formerly Invitae), Labcorp); PubMed 27106955 (cited by Labcorp Genetics (formerly Invitae), Labcorp); PubMed 34263907 (cited by Labcorp Genetics (formerly Invitae), Labcorp).

NM_020778.5(ALPK3):c.2757dup (p.Thr920fs)

Gene: ALPK3 (alpha kinase 3; plus strand). Cytogenetic location: 15q25.3.
Variant type: Duplication.
Coding change: c.2757dup on transcript NM_020778.5 (MANE Select); coding-DNA position 2757, one base duplicated (C; older notation c.2757dupC).
Protein change: p.Thr920fs; shifts the reading frame from threonine 920.
Molecular consequence: frameshift variant.
Genome position (GRCh38, 1-based): chr15:84,857,495, C duplicated; the last of 5 consecutive C bases (chr15:84,857,491-84,857,495); duplicating any one gives the same sequence. VCF-style (leftmost placement, unchanged base first): chr15-84857490-A-AC. GRCh37 (hg19) VCF-style: chr15-85400721-A-AC.
Other names: c.3363dup (NM_020778.4); short protein forms T920fs.
Identifiers: ClinVar variation 1458221 (VCV001458221.7), dbSNP rs2141568242, ClinGen allele CA2573151300.